The following is an entry in ClinVar:

ClinVar aggregate classification (germline): Uncertain significance (1 of 4 stars; one submission).

Conditions:
Epidermolysis bullosa simplex 3, localized or generalized intermediate, with BP230 deficiency (EBS3). Also called: Epidermolysis bullosa simplex due to BP230 deficiency; Epidermolysis bullosa simplex, autosomal recessive 2. Identifiers: Orphanet 412181, MedGen C3809470, MONDO:0014180, OMIM 615425.
Hereditary sensory and autonomic neuropathy type 6. Also called: HSAN VI; Neuropathy, hereditary sensory and autonomic, type VI. Identifiers: Orphanet 314381, MedGen C3539003, MONDO:0013839, OMIM 614653.

gnomAD v4.1: 9 of 1,599,654 alleles (0.00056%); highest among the groups gnomAD compares: Non-Finnish European, 0.00077%; no homozygotes.

Submission:

Labcorp Genetics (formerly Invitae), Labcorp
Classification: Uncertain significance for Epidermolysis bullosa simplex 3, localized or generalized intermediate, with BP230 deficiency; Hereditary sensory and autonomic neuropathy type 6. Last evaluated: 2021-12-03. Review status: criteria provided, single submitter. Criteria: Invitae Variant Classification Sherloc (09022015). Collection method: clinical testing. Allele origin: germline.
Comment: This variant has not been reported in the literature in individuals affected with DST-related conditions. Experimental studies and prediction algorithms are not available or were not evaluated, and the functional significance of this variant is currently unknown. In summary, the available evidence is currently insufficient to determine the role of this variant in disease. Therefore, it has been classified as a Variant of Uncertain Significance. This variant is not present in population databases (gnomAD no frequency). The DST gene has multiple clinically relevant transcripts. This variant occurs in alternate transcript NM_015548.4, and corresponds to NM_001723.5:c.*87798T>C in the primary transcript. This sequence change replaces isoleucine, which is neutral and non-polar, with threonine, which is neutral and polar, at codon 3276 of the DST protein (p.Ile3276Thr).

NM_001374736.1(DST):c.17696T>C (p.Ile5899Thr)

Gene: DST (dystonin; minus strand). Cytogenetic location: 6p12.1.
Variant type: single nucleotide variant.
Coding change: c.17696T>C on transcript NM_001374736.1 (MANE Select); coding-DNA position 17696, T replaced by C.
Protein change: p.Ile5899Thr; replaces isoleucine 5899 with threonine.
Molecular consequence: missense variant.
Genome position (GRCh38, 1-based): chr6:56,527,719, A>G on the plus strand (T>C on the coding strand, the complement: DST is on the minus strand). VCF-style: chr6-56527719-A-G. GRCh37 (hg19) VCF-style: chr6-56392517-A-G.
Other names: c.11339T>C, p.Ile3780Thr (NM_001144769.5); c.10925T>C, p.Ile3642Thr (NM_001144770.2); c.17696T>C, p.Ile5899Thr (NM_001374722.1); c.16736T>C, p.Ile5579Thr (NM_001374729.1); c.10478T>C, p.Ile3493Thr (NM_001374730.1); c.17723T>C, p.Ile5908Thr (NM_001374734.1); c.10805T>C, p.Ile3602Thr (NM_001386100.1, NM_183380.4); c.9827T>C, p.Ile3276Thr (NM_015548.5); short protein forms I3642T, I3493T, I5579T, I5908T, I3602T, I3780T, I5899T, I3276T.
Identifiers: ClinVar variation 1513618 (VCV001513618.6), dbSNP rs2152508253, ClinGen allele CA364506526.
Genomic context (GRCh38, chr6:56,527,719, plus strand): 5'-GTGCTCAGTTTAGTAATGTCTTTGTACCTTGCTTTAATGGCTTCCAATTTATCTTGAATT[A>G]TTAAAACTTCATCACCTAAAATTTCAAAGTCACGTTATTTCTTATGAAGGAAAAAAAAGG-3'
Protein context (NP_001361665.1, residues 5889-5909): LKQTTGDEVL[Ile5899Thr]IQDKLEAIKA